The following is an entry in ClinVar:

NM_001098816.3(TENM4):c.4008C>T (p.Cys1336=)

Gene: TENM4 (teneurin transmembrane protein 4; minus strand). Cytogenetic location: 11q14.1.
Variant type: single nucleotide variant.
Coding change: c.4008C>T on transcript NM_001098816.3 (MANE Select); coding-DNA position 4008, C replaced by T.
Protein change: p.Cys1336=; no amino-acid change (cysteine 1336 retained).
Molecular consequence: synonymous variant.
Genome position (GRCh38, 1-based): chr11:78,712,528, G>A on the plus strand (C>T on the coding strand, the complement: TENM4 is on the minus strand). VCF-style: chr11-78712528-G-A. GRCh37 (hg19) VCF-style: chr11-78423573-G-A.
Identifiers: ClinVar variation 3039401 (VCV003039401.2), dbSNP rs748391230, ClinGen allele CA6206908.

ClinVar aggregate classification (germline): Likely benign (0 of 4 stars; one submission).

Conditions:
TENM4-related disorder. Also called: TENM4-related condition.

Allele frequency attached by ClinVar (database versions not stated): gnomAD exomes 0.00002; ExAC 0.00005; TOPMed 0.00005; gnomAD 0.00008; 1000 Genomes Project 30x 0.00016.
gnomAD v4.1: 51 of 1,613,964 alleles (0.0032%); highest among the groups gnomAD compares: Middle Eastern, 0.066%; no homozygotes.

Submission:

PreventionGenetics, part of Exact Sciences
Classification: Likely benign for TENM4-related condition. Last evaluated: 2019-11-06. Review status: no assertion criteria provided. Collection method: clinical testing. Allele origin: germline.
Comment: This variant is classified as likely benign based on ACMG/AMP sequence variant interpretation guidelines (Richards et al. 2015 PMID: 25741868, with internal and published modifications).